The following is an entry in ClinVar:

ClinVar aggregate classification (germline): Conflicting classifications of pathogenicity. Review status: criteria provided, conflicting classifications (1 of 4 stars). 3 submissions from 3 submitters: Likely pathogenic (1); Uncertain significance (1). 1 of the submissions does not count toward it. Last evaluated 2026-03-19.

Conditions:
Hereditary factor XI deficiency disease. Also called: PLASMA THROMBOPLASTIN ANTECEDENT DEFICIENCY; Congenital factor XI deficiency; PTA DEFICIENCY; ROSENTHAL SYNDROME. Identifiers: Orphanet 329, MedGen C0015523, MeSH D005173, MONDO:0012897, OMIM 612416.

Allele frequency attached by ClinVar (database versions not stated): gnomAD exomes 0.00001.

Submissions (3):

Myriad Genetics, Inc.
Classification: Likely pathogenic for Hereditary factor XI deficiency disease. Last evaluated: 2026-03-19. Review status: criteria provided, single submitter. Criteria: Myriad Autosomal Dominant, Autosomal Recessive and X-Linked Classification Criteria (2023). Collection method: clinical testing. Allele origin: unknown.
Comment: NM_000128.3(F11):c.1289C>T(A430V) is a missense variant classified as likely pathogenic in the context of factor XI deficiency. A430V has been observed in cases with relevant disease (PMID: 15953011, 10606881). Relevant functional assessments of this variant are not available in the literature. Internal structural analysis of the variant is supportive of pathogenicity. A430V has not been observed in referenced population frequency databases. In summary, NM_000128.3(F11):c.1289C>T(A430V) is a missense variant that has internal structural support for pathogenicity and has been observed more frequently in cases with the relevant disease than in healthy populations. Please note: this variant was assessed in the context of healthy population screening.

Women's Health and Genetics/Laboratory Corporation of America, LabCorp
Classification: Uncertain significance. Last evaluated: 2024-06-24. Review status: criteria provided, single submitter. Criteria: LabCorp Variant Classification Summary - May 2015. Collection method: clinical testing. Allele origin: germline.
Comment: Variant summary: F11 c.1289C>T (p.Ala430Val) results in a non-conservative amino acid change located in the Serine proteases, trypsin domain (IPR001254) of the encoded protein sequence. Five of five in-silico tools predict a damaging effect of the variant on protein function. The variant was absent in 251190 control chromosomes. The available data on variant occurrences in the general population are insufficient to allow any conclusion about variant significance. c.1289C>T has been reported in the literature in a heterozygous individual affected with Hereditary factor XI deficiency disease (Mitchell_1999). These data do not allow any conclusion about variant significance. To our knowledge, no experimental evidence demonstrating an impact on protein function has been reported. The following publications have been ascertained in the context of this evaluation (PMID: 10606881, 19652879). ClinVar contains an entry for this variant (Variation ID: 11899). Based on the evidence outlined above, the variant was classified as uncertain significance.

OMIM
Classification: Pathogenic for FACTOR XI DEFICIENCY. Last evaluated: 1999-12-01. Review status: no assertion criteria provided. Collection method: literature only. Allele origin: germline. Not counted in ClinVar's aggregate classification.

Literature cited by the submitters: PubMed 10606881 (cited by 3 submitters); PubMed 15953011 (cited by Myriad Genetics, Inc.); PubMed 19652879 (cited by Women's Health and Genetics/Laboratory Corporation of America, LabCorp).

NM_000128.4(F11):c.1289C>T (p.Ala430Val)

Gene: F11 (coagulation factor XI; plus strand). Cytogenetic location: 4q35.2.
Variant type: single nucleotide variant.
Coding change: c.1289C>T on transcript NM_000128.4 (MANE Select); coding-DNA position 1289, C replaced by T.
Protein change: p.Ala430Val; replaces alanine 430 with valine.
Molecular consequence: missense variant.
Genome position (GRCh38, 1-based): chr4:186,284,245, C>T. VCF-style: chr4-186284245-C-T. GRCh37 (hg19) VCF-style: chr4-187205399-C-T.
Other names: F11, ALA412VAL; A412V; short protein forms A430V.
Identifiers: ClinVar variation 11899 (VCV000011899.3), dbSNP rs121965068, ClinGen allele CA121759.